The following is an entry in ClinVar:

NM_138694.4(PKHD1):c.6910C>T (p.Gln2304Ter)

Gene: PKHD1 (PKHD1 ciliary IPT domain containing fibrocystin/polyductin; minus strand). Cytogenetic location: 6p12.2.
Variant type: single nucleotide variant.
Coding change: c.6910C>T on transcript NM_138694.4 (MANE Select); coding-DNA position 6910, C replaced by T.
Protein change: p.Gln2304Ter; replaces glutamine 2304 with a stop codon.
Molecular consequence: nonsense.
Genome position (GRCh38, 1-based): chr6:51,903,683, G>A on the plus strand (C>T on the coding strand, the complement: PKHD1 is on the minus strand). VCF-style: chr6-51903683-G-A. GRCh37 (hg19) VCF-style: chr6-51768481-G-A.
Other names: c.6910C>T, p.Gln2304Ter (NM_170724.3); short protein forms Q2304*.
Identifiers: ClinVar variation 370377 (VCV000370377.5), dbSNP rs1057516441, ClinGen allele CA16041045.

ClinVar aggregate classification (germline): Pathogenic. Review status: criteria provided, single submitter (1 of 4 stars). 2 submissions from 2 submitters: Pathogenic (1). 1 of the submissions does not count toward it. Last evaluated 2024-02-01.

Conditions:
Polycystic kidney disease 4 (PKD4). Also called: POLYCYSTIC KIDNEY AND HEPATIC DISEASE 1; POLYCYSTIC KIDNEY DISEASE, INFANTILE, TYPE I; POLYCYSTIC KIDNEY DISEASE 4 WITH OR WITHOUT POLYCYSTIC LIVER DISEASE; PKD3; Autosomal Recessive Polycystic Kidney Disease – PKHD1. Identifiers: MedGen C4540575, MONDO:0033004, OMIM 263200.
Autosomal recessive polycystic kidney disease (ARPKD). Also called: AR polycystic kidney disease. Identifiers: Orphanet 731, Orphanet 8378, MedGen C0085548, MeSH D017044, MONDO:0009889.

Submissions (2):

Labcorp Genetics (formerly Invitae), Labcorp
Classification: Pathogenic for Autosomal recessive polycystic kidney disease. Last evaluated: 2024-02-01. Review status: criteria provided, single submitter. Criteria: Invitae Variant Classification Sherloc (09022015). Collection method: clinical testing. Allele origin: germline.
Comment: This sequence change creates a premature translational stop signal (p.Gln2304*) in the PKHD1 gene. It is expected to result in an absent or disrupted protein product. Loss-of-function variants in PKHD1 are known to be pathogenic (PMID: 19940839). This variant is not present in population databases (gnomAD no frequency). This premature translational stop signal has been observed in individual(s) with polycystic kidney disease (PMID: 27225849). ClinVar contains an entry for this variant (Variation ID: 370377). Algorithms developed to predict the effect of sequence changes on RNA splicing suggest that this variant may create or strengthen a splice site. For these reasons, this variant has been classified as Pathogenic.

Counsyl
Classification: Likely pathogenic for Polycystic kidney disease 4. Last evaluated: 2016-01-27. Review status: no assertion criteria provided. Collection method: clinical testing. Allele origin: unknown. Not counted in ClinVar's aggregate classification.

Literature cited by the submitters: PubMed 19940839 (cited by Labcorp Genetics (formerly Invitae), Labcorp); PubMed 27225849 (cited by Labcorp Genetics (formerly Invitae), Labcorp).